The following is an entry in ClinVar:

NM_021954.4(GJA3):c.*358T>C

Gene: GJA3 (gap junction protein alpha 3; minus strand). Cytogenetic location: 13q12.11.
Variant type: single nucleotide variant.
Coding change: c.*358T>C on transcript NM_021954.4 (MANE Select); 358 bases downstream of the stop codon, T replaced by C.
Molecular consequence: 3 prime UTR variant.
Genome position (GRCh38, 1-based): chr13:20,141,623, A>G on the plus strand (T>C on the coding strand, the complement: GJA3 is on the minus strand). VCF-style: chr13-20141623-A-G. GRCh37 (hg19) VCF-style: chr13-20715762-A-G.
Identifiers: ClinVar variation 311325 (VCV000311325.5), dbSNP rs186827757, ClinGen allele CA10643930.

ClinVar aggregate classification (germline): Benign (1 of 4 stars; one submission).

Conditions:
Cataract 14 multiple types. Also called: CATARACT 14, ZONULAR PULVERULENT; CATARACT 14, NUCLEAR PULVERULENT; CATARACT 14, NUCLEAR PULVERULENT AND POSTERIOR POLAR; CATARACT 14, NUCLEAR CORALLIFORM; CATARACT 14, EMBRYONAL NUCLEAR; CATARACT 14, COPPOCK-LIKE. Identifiers: Orphanet 91492, MedGen C1866078, MONDO:0011162, OMIM 601885.

Allele frequency attached by ClinVar (database versions not stated): 1000 Genomes Project 30x 0.00812; gnomAD exomes 0.00197; TOPMed 0.00838; gnomAD 0.00506 and 0.00509; 1000 Genomes Project 0.00699.

Submission:

Illumina Laboratory Services, Illumina
Classification: Benign for Cataract 14 multiple types. Last evaluated: 2018-01-13. Review status: criteria provided, single submitter. Criteria: ICSL Variant Classification Criteria 13 December 2019. Collection method: clinical testing. Allele origin: germline.
Comment: This variant was observed in the ICSL laboratory as part of a predisposition screen in an ostensibly healthy population. It had not been previously curated by ICSL or reported in the Human Gene Mutation Database (HGMD: prior to June 1st, 2018), and was therefore a candidate for classification through an automated scoring system. Utilizing variant allele frequency, disease prevalence and penetrance estimates, and inheritance mode, an automated score was calculated to assess if this variant is too frequent to cause the disease. Based on the score and internal cut-off values, a variant classified as benign is not then subjected to further curation. The score for this variant resulted in a classification of benign for this disease.